The following is an entry in ClinVar:

ClinVar aggregate classification (germline): Pathogenic. Review status: criteria provided, multiple submitters, no conflicts (2 of 4 stars). 2 submissions from 2 submitters: Pathogenic (2). Last evaluated 2025-06-23.

Conditions:
JAG1-related disorder. Also called: JAG1-related condition; JAG1-related disorders.

Submissions (2):

PreventionGenetics, part of Exact Sciences
Classification: Pathogenic for JAG1-related condition. Last evaluated: 2025-06-23. Review status: criteria provided, single submitter. Criteria: ACMG Guidelines, 2015. Collection method: clinical testing. Allele origin: germline.
Comment: The JAG1 c.1528C>T variant is predicted to result in premature protein termination (p.Gln510*). This variant was reported in an individual with Alagille syndrome (Table 1, Warthen et al. 2006. PubMed ID: 16575836). This variant has not been reported in a large population database (gnomAD), indicating this variant is rare. Nonsense variants in JAG1 are expected to be pathogenic. This variant is interpreted as pathogenic.

Eurofins Ntd Llc (ga)
Classification: Pathogenic. Last evaluated: 2017-09-01. Review status: criteria provided, single submitter. Criteria: EGL Classification Definitions 2015. Collection method: clinical testing. Allele origin: germline. Observed: 1 variant allele, 1 heterozygote.

Literature cited by the submitters: PubMed 16575836 (cited by Eurofins Ntd Llc (ga)).

NM_000214.3(JAG1):c.1528C>T (p.Gln510Ter)

Gene: JAG1 (jagged canonical Notch ligand 1; minus strand). Cytogenetic location: 20p12.2.
Variant type: single nucleotide variant.
Coding change: c.1528C>T on transcript NM_000214.3 (MANE Select); coding-DNA position 1528, C replaced by T.
Protein change: p.Gln510Ter; replaces glutamine 510 with a stop codon.
Molecular consequence: nonsense.
Genome position (GRCh38, 1-based): chr20:10,648,590, G>A on the plus strand (C>T on the coding strand, the complement: JAG1 is on the minus strand). VCF-style: chr20-10648590-G-A. GRCh37 (hg19) VCF-style: chr20-10629238-G-A.
Other names: c.1528C>T (NM_000214.2); c.1528C>T, p.Gln510Ter (LRG_1191t1); short protein forms Q510*.
Identifiers: ClinVar variation 593905 (VCV000593905.6), dbSNP rs1568796158, ClinGen allele CA408237522.
Genomic context (GRCh38, chr20:10,648,590, plus strand): 5'-AGGTTTTGCCACCACTCACCTGACAGAGGTTTCCAGAGAAACCAGTGGGACACAGACACT[G>A]GAATCTGTTGATTTCATTCTGACAGTGACCCCCATTCAAACAGGGGTTGCTGGCACATTC-3'